The following is an entry in ClinVar:

ClinVar aggregate classification (germline): Uncertain significance. Review status: criteria provided, multiple submitters, no conflicts (2 of 4 stars). 3 submissions from 3 submitters: Uncertain significance (3). Last evaluated 2023-12-07.

Conditions:
Hereditary cancer-predisposing syndrome. Also called: Tumor predisposition; Hereditary neoplastic syndrome; Hereditary Cancer Syndrome; Neoplastic Syndromes, Hereditary. Identifiers: Orphanet 140162, MedGen C0027672, MeSH D009386, MONDO:0015356.
Oligodontia-cancer predisposition syndrome. Also called: TOOTH AGENESIS-COLORECTAL CANCER SYNDROME. Identifiers: Orphanet 300576, MedGen C1837750, MONDO:0012075, OMIM 608615. Disease mechanism: loss of function.

gnomAD v4.1: 6 of 1,603,452 alleles (0.00037%); highest among the groups gnomAD compares: Non-Finnish European, 0.00051%; no homozygotes.

Submissions (3):

Labcorp Genetics (formerly Invitae), Labcorp
Classification: Uncertain significance for Oligodontia-cancer predisposition syndrome. Last evaluated: 2023-12-07. Review status: criteria provided, single submitter. Criteria: Invitae Variant Classification Sherloc (09022015). Collection method: clinical testing. Allele origin: germline.
Comment: This sequence change replaces asparagine, which is neutral and polar, with lysine, which is basic and polar, at codon 54 of the AXIN2 protein (p.Asn54Lys). This variant is present in population databases (no rsID available, gnomAD 0.002%). This variant has not been reported in the literature in individuals affected with AXIN2-related conditions. ClinVar contains an entry for this variant (Variation ID: 577334). Advanced modeling of protein sequence and biophysical properties (such as structural, functional, and spatial information, amino acid conservation, physicochemical variation, residue mobility, and thermodynamic stability) performed at Invitae indicates that this missense variant is not expected to disrupt AXIN2 protein function with a negative predictive value of 80%. In summary, the available evidence is currently insufficient to determine the role of this variant in disease. Therefore, it has been classified as a Variant of Uncertain Significance.

GeneDx
Classification: Uncertain significance. Last evaluated: 2022-10-14. Review status: criteria provided, single submitter. Criteria: GeneDx Variant Classification Process June 2021. Collection method: clinical testing. Allele origin: germline. Affected: yes.
Comment: Not observed at significant frequency in large population cohorts (gnomAD); In silico analysis supports that this missense variant does not alter protein structure/function; Has not been previously published as pathogenic or benign to our knowledge

Ambry Genetics
Classification: Uncertain significance for Hereditary cancer-predisposing syndrome. Last evaluated: 2022-08-30. Review status: criteria provided, single submitter. Criteria: Ambry Variant Classification Scheme 2023. Collection method: clinical testing. Allele origin: germline.
Comment: The p.N54K variant (also known as c.162C>A), located in coding exon 1 of the AXIN2 gene, results from a C to A substitution at nucleotide position 162. The asparagine at codon 54 is replaced by lysine, an amino acid with similar properties. This amino acid position is conserved. In addition, this alteration is predicted to be tolerated by in silico analysis. Since supporting evidence is limited at this time, the clinical significance of this alteration remains unclear.

NM_004655.4(AXIN2):c.162C>A (p.Asn54Lys)

Gene: AXIN2 (axin 2; minus strand). Cytogenetic location: 17q24.1.
Variant type: single nucleotide variant.
Coding change: c.162C>A on transcript NM_004655.4 (MANE Select); coding-DNA position 162, C replaced by A.
Protein change: p.Asn54Lys; replaces asparagine 54 with lysine.
Molecular consequence: missense variant.
Genome position (GRCh38, 1-based): chr17:65,558,459, G>T on the plus strand (C>A on the coding strand, the complement: AXIN2 is on the minus strand). VCF-style: chr17-65558459-G-T. GRCh37 (hg19) VCF-style: chr17-63554577-G-T.
Other names: c.162C>A (LRG_296t1); c.162C>A, p.Asn54Lys (NM_001363813.1); short protein forms N54K.
Identifiers: ClinVar variation 577334 (VCV000577334.11), dbSNP rs1427989179, ClinGen allele CA400681990.